The following is an entry in ClinVar:

ClinVar aggregate classification (germline): Uncertain significance (1 of 4 stars; one submission).

Conditions:
Inborn genetic diseases. Identifiers: MedGen C0950123, MeSH D030342.

Submission:

Ambry Genetics
Classification: Uncertain significance for Inborn genetic diseases. Last evaluated: 2024-08-19. Review status: criteria provided, single submitter. Criteria: Ambry Variant Classification Scheme 2023. Collection method: clinical testing. Allele origin: germline.
Comment: The p.P293R variant (also known as c.878C>G), located in coding exon 4 of the LTBP3 gene, results from a C to G substitution at nucleotide position 878. The proline at codon 293 is replaced by arginine, an amino acid with dissimilar properties. This amino acid position is conserved. In addition, the in silico prediction for this alteration is inconclusive. Since supporting evidence is limited at this time, the clinical significance of this alteration remains unclear.

NM_001130144.3(LTBP3):c.878C>G (p.Pro293Arg)

Gene: LTBP3 (latent transforming growth factor beta binding protein 3; minus strand). Cytogenetic location: 11q13.1.
Variant type: single nucleotide variant.
Coding change: c.878C>G on transcript NM_001130144.3 (MANE Select); coding-DNA position 878, C replaced by G.
Protein change: p.Pro293Arg; replaces proline 293 with arginine.
Molecular consequence: missense variant.
Genome position (GRCh38, 1-based): chr11:65,553,517, G>C on the plus strand (C>G on the coding strand, the complement: LTBP3 is on the minus strand). VCF-style: chr11-65553517-G-C. GRCh37 (hg19) VCF-style: chr11-65320988-G-C.
Other names: c.527C>G, p.Pro176Arg (NM_001164266.1); c.878C>G, p.Pro293Arg (NM_021070.4); short protein forms P176R, P293R.
Identifiers: ClinVar variation 1764656 (VCV001764656.3), dbSNP rs2496174561, ClinGen allele CA381275323.
Genomic context (GRCh38, chr11:65,553,517, plus strand): 5'-TGGCCCCAGGCAGTGCCGATGCTACCGCAGCAGTCTTCCTGCTTGGTGAGGCCGGGGAGG[G>C]GGTTGCTGCCACACTAGGGGAAGGAGGGGGAGGTGGGGTCACAGAGCACCCCGCCCCGGT-3'
Protein context (NP_001123616.1, residues 283-303): TLPKQPCGSN[Pro293Arg]LPGLTKQEDC